The following is an entry in ClinVar:

NM_005751.5(AKAP9):c.10417dup (p.Thr3473fs)

Gene: AKAP9 (A-kinase anchoring protein 9; plus strand). Cytogenetic location: 7q21.2.
Variant type: Duplication.
Coding change: c.10417dup on transcript NM_005751.5 (MANE Select); coding-DNA position 10417, one base duplicated (A; older notation c.10417dupA).
Protein change: p.Thr3473fs; shifts the reading frame from threonine 3473.
Molecular consequence: frameshift variant.
Genome position (GRCh38, 1-based): chr7:92,097,604, A duplicated; the last of 2 consecutive A bases (chr7:92,097,603-92,097,604); duplicating either gives the same sequence. VCF-style (leftmost placement, unchanged base first): chr7-92097602-T-TA. GRCh37 (hg19) VCF-style: chr7-91726916-T-TA.
Other names: c.10417dupA (NM_005751.4); c.5062dup, p.Thr1688fs (NM_001379277.1); c.10393dup, p.Thr3465fs (NM_147185.3); short protein forms T1688fs, T3465fs, T3473fs.
Identifiers: ClinVar variation 2981996 (VCV002981996.4), dbSNP rs767298163, ClinGen allele CA4337954.

ClinVar aggregate classification (germline): Conflicting classifications of pathogenicity. Review status: criteria provided, conflicting classifications (1 of 4 stars). 2 submissions from 2 submitters: Uncertain significance (1); Likely benign (1). Last evaluated 2023-10-26.

Conditions:
Cardiovascular phenotype. Identifiers: MedGen CN230736.
Long QT syndrome (LQTS). Identifiers: MedGen C0023976, MeSH D008133, MONDO:0002442. Disease mechanism: loss of function. Inheritance: Various modes of inheritance.

Submissions (2):

Ambry Genetics
Classification: Likely benign for Cardiovascular phenotype. Last evaluated: 2023-10-26. Review status: criteria provided, single submitter. Criteria: Ambry Variant Classification Scheme 2023. Collection method: clinical testing. Allele origin: germline.

Labcorp Genetics (formerly Invitae), Labcorp
Classification: Uncertain significance for Long QT syndrome. Last evaluated: 2023-09-29. Review status: criteria provided, single submitter. Criteria: Invitae Variant Classification Sherloc (09022015). Collection method: clinical testing. Allele origin: germline.
Comment: This sequence change creates a premature translational stop signal (p.Thr3473Asnfs*3) in the AKAP9 gene. It is expected to result in an absent or disrupted protein product. However, the current clinical and genetic evidence is not sufficient to establish whether loss-of-function variants in AKAP9 cause disease. The frequency data for this variant in the population databases is considered unreliable, as metrics indicate poor data quality at this position in the gnomAD database. This variant has not been reported in the literature in individuals affected with AKAP9-related conditions. In summary, the available evidence is currently insufficient to determine the role of this variant in disease. Therefore, it has been classified as a Variant of Uncertain Significance.